The following is an entry in ClinVar:

ClinVar aggregate classification (germline): Uncertain significance. Review status: criteria provided, single submitter (1 of 4 stars). 2 submissions from 2 submitters: Uncertain significance (1). 1 of the submissions does not count toward it. Last evaluated 2025-01-22.

Conditions:
Nemaline myopathy 2 (NEM2). Also called: Nemaline myopathy 2, autosomal recessive. Identifiers: MedGen C1850569, MONDO:0009725, OMIM 256030.

gnomAD v4.1: 6 of 737,180 alleles (0.00081%); highest among the groups gnomAD compares: Non-Finnish European, 0.0012%; 1 homozygote.

Submissions (2):

Labcorp Genetics (formerly Invitae), Labcorp
Classification: Uncertain significance for Nemaline myopathy 2. Last evaluated: 2025-01-22. Review status: criteria provided, single submitter. Criteria: Invitae Variant Classification Sherloc (09022015). Collection method: clinical testing. Allele origin: germline.
Comment: This variant occurs in a region of NEB (Exons 82-105) consisting of three highly homologous 8-exon repeat units (exons 82-89, exons 90-97, exons 98-105). Sequence variants in this region can be detected, but this assay cannot determine which of the three repeat units is affected, and zygosity is often ambiguous. All variants in this region are reported relative to the exon 82-89 repeat. This sequence change falls in intron 84 of the NEB gene. It does not directly change the encoded amino acid sequence of the NEB protein. It affects a nucleotide within the consensus splice site. The frequency data for this variant in the population databases (gnomAD) is considered unreliable due to the presence of homologous sequence, such as pseudogenes or paralogs, in the genome. This variant has not been reported in the literature in individuals affected with NEB-related conditions. ClinVar contains an entry for this variant (Variation ID: 572783). Variants that disrupt the consensus splice site are a relatively common cause of aberrant splicing (PMID: 17576681, 9536098). Algorithms developed to predict the effect of sequence changes on RNA splicing suggest that this variant is not likely to affect RNA splicing. In summary, the available evidence is currently insufficient to determine the role of this variant in disease. Therefore, it has been classified as a Variant of Uncertain Significance.

Natera, Inc.
Classification: Uncertain significance for Nemaline myopathy type 2. Last evaluated: 2019-11-11. Review status: no assertion criteria provided. Collection method: clinical testing. Allele origin: germline. Not counted in ClinVar's aggregate classification.

Literature cited by the submitters: PubMed 17576681 (cited by Labcorp Genetics (formerly Invitae), Labcorp); PubMed 9536098 (cited by Labcorp Genetics (formerly Invitae), Labcorp).

NM_001164508.2(NEB):c.12747+5G>A

Gene: NEB (nebulin; minus strand). Cytogenetic location: 2q23.3.
Variant type: single nucleotide variant.
Coding change: c.12747+5G>A on transcript NM_001164508.2 (MANE Select); 5 bases into the intron after coding-DNA position 12747, G replaced by A.
Molecular consequence: intron variant.
Genome position (GRCh38, 1-based): chr2:151,606,601, C>T on the plus strand (G>A on the coding strand, the complement: NEB is on the minus strand). VCF-style: chr2-151606601-C-T. GRCh37 (hg19) VCF-style: chr2-152463115-C-T.
Other names: c.11601+3208G>A (NM_004543.5); c.12747+5G>A (NM_001164507.2, NM_001271208.2).
Identifiers: ClinVar variation 572783 (VCV000572783.10), dbSNP rs1251007091, ClinGen allele CA536637112.